The following is an entry in ClinVar:

NM_024598.4(USB1):c.55G>C (p.Glu19Gln)

Gene: USB1 (U6 snRNA biogenesis phosphodiesterase 1; plus strand). Cytogenetic location: 16q21.
Variant type: single nucleotide variant.
Coding change: c.55G>C on transcript NM_024598.4 (MANE Select); coding-DNA position 55, G replaced by C.
Protein change: p.Glu19Gln; replaces glutamic acid 19 with glutamine.
Molecular consequence: missense variant. On other transcripts: intron variant (1).
Genome position (GRCh38, 1-based): chr16:58,001,538, G>C. VCF-style: chr16-58001538-G-C. GRCh37 (hg19) VCF-style: chr16-58035442-G-C.
Other names: c.55G>C, p.Glu19Gln (NM_001195302.2, NM_001204911.2, NM_001330569.2); c.-55-941G>C (NM_001330568.2); short protein forms E19Q.
Identifiers: ClinVar variation 5031636 (VCV005031636.1).

ClinVar aggregate classification (germline): Uncertain significance (1 of 4 stars; one submission).

Conditions:
Inborn genetic diseases. Identifiers: MedGen C0950123, MeSH D030342.

gnomAD v4.1: 6 of 1,609,522 alleles (0.00037%); highest among the groups gnomAD compares: Non-Finnish European, 0.00042%; no homozygotes.

Submission:

Ambry Genetics
Classification: Uncertain significance for Inborn genetic diseases. Last evaluated: 2026-09-12. Review status: criteria provided, single submitter. Criteria: Ambry Variant Classification Scheme 2023. Collection method: clinical testing. Allele origin: germline.
Comment: The p.E19Q variant (also known as c.55G>C), located in coding exon 1 of the USB1 gene, results from a G to C substitution at nucleotide position 55. The glutamic acid at codon 19 is replaced by glutamine, an amino acid with highly similar properties. This amino acid position is conserved. In addition, this alteration is predicted to be tolerated by in silico analysis. Based on the available evidence, the clinical significance of this variant remains unclear.